The following is an entry in ClinVar:

ClinVar aggregate classification (germline): Uncertain significance. Review status: criteria provided, multiple submitters, no conflicts (2 of 4 stars). 2 submissions from 2 submitters: Uncertain significance (2). Last evaluated 2025-12-15.

Conditions:
Inborn genetic diseases. Identifiers: MedGen C0950123, MeSH D030342.
Autosomal dominant nonsyndromic hearing loss 1. Also called: KONIGSMARK SYNDROME; DEAFNESS, AUTOSOMAL DOMINANT 1, WITH OR WITHOUT THROMBOCYTOPENIA. Identifiers: Orphanet 90635, MedGen C1852282, MONDO:0007424, OMIM 124900.
Progressive microcephaly-seizures-cortical blindness-developmental delay syndrome. Also called: Seizures, cortical blindness, and microcephaly syndrome. Identifiers: Orphanet 477814, MedGen C5567650, MONDO:0014714, OMIM 616632.

gnomAD v4.1: 2 of 1,614,264 alleles (0.00012%); highest among the groups gnomAD compares: Non-Finnish European, 0.00017%; no homozygotes.

Submissions (2):

Labcorp Genetics (formerly Invitae), Labcorp
Classification: Uncertain significance for Progressive microcephaly-seizures-cortical blindness-developmental delay syndrome; Autosomal dominant nonsyndromic hearing loss 1. Last evaluated: 2025-12-15. Review status: criteria provided, single submitter. Criteria: Invitae Variant Classification Sherloc (09022015). Collection method: clinical testing. Allele origin: germline.
Comment: This sequence change replaces valine, which is neutral and non-polar, with glycine, which is neutral and non-polar, at codon 1246 of the DIAPH1 protein (p.Val1246Gly). This variant is not present in population databases (gnomAD no frequency). This variant has not been reported in the literature in individuals affected with DIAPH1-related conditions. ClinVar contains an entry for this variant (Variation ID: 3839945). An algorithm developed to predict the effect of missense changes on protein structure and function outputs the following: PolyPhen-2: "Benign". The glycine amino acid residue is found in multiple mammalian species, which suggests that this missense change does not adversely affect protein function. In summary, the available evidence is currently insufficient to determine the role of this variant in disease. Therefore, it has been classified as a Variant of Uncertain Significance.

Ambry Genetics
Classification: Uncertain significance for Inborn genetic diseases. Last evaluated: 2025-03-03. Review status: criteria provided, single submitter. Criteria: Ambry Variant Classification Scheme 2023. Collection method: clinical testing. Allele origin: germline.

NM_005219.5(DIAPH1):c.3737T>G (p.Val1246Gly)

Gene: DIAPH1 (diaphanous related formin 1; minus strand). Cytogenetic location: 5q31.3.
Variant type: single nucleotide variant.
Coding change: c.3737T>G on transcript NM_005219.5 (MANE Select); coding-DNA position 3737, T replaced by G.
Protein change: p.Val1246Gly; replaces valine 1246 with glycine.
Molecular consequence: missense variant. On other transcripts: 3 prime UTR variant (1).
Genome position (GRCh38, 1-based): chr5:141,516,933, A>C on the plus strand (T>G on the coding strand, the complement: DIAPH1 is on the minus strand). VCF-style: chr5-141516933-A-C. GRCh37 (hg19) VCF-style: chr5-140896500-A-C.
Other names: c.3710T>G, p.Val1237Gly (NM_001079812.3); c.*37T>G (NM_001314007.2); short protein forms V1237G, V1246G.
Identifiers: ClinVar variation 3839945 (VCV003839945.2).